The following is an entry in ClinVar:

NM_152703.5(SAMD9L):c.2602G>T (p.Ala868Ser)

Gene: SAMD9L (sterile alpha motif domain containing 9 like; minus strand). Cytogenetic location: 7q21.2.
Variant type: single nucleotide variant.
Coding change: c.2602G>T on transcript NM_152703.5 (MANE Select); coding-DNA position 2602, G replaced by T.
Protein change: p.Ala868Ser; replaces alanine 868 with serine.
Molecular consequence: missense variant.
Genome position (GRCh38, 1-based): chr7:93,133,370, C>A on the plus strand (G>T on the coding strand, the complement: SAMD9L is on the minus strand). VCF-style: chr7-93133370-C-A. GRCh37 (hg19) VCF-style: chr7-92762683-C-A.
Other names: c.2602G>T, p.Ala868Ser (NM_001303496.3, NM_001303497.3, NM_001303498.3 and 5 more transcripts); short protein forms A868S.
Identifiers: ClinVar variation 3949973 (VCV003949973.1).

ClinVar aggregate classification (germline): Uncertain significance (1 of 4 stars; one submission).

Conditions:
Inborn genetic diseases. Identifiers: MedGen C0950123, MeSH D030342.

Submission:

Ambry Genetics
Classification: Uncertain significance for Inborn genetic diseases. Last evaluated: 2025-05-29. Review status: criteria provided, single submitter. Criteria: Ambry Variant Classification Scheme 2023. Collection method: clinical testing. Allele origin: germline.
Comment: The p.A868S variant (also known as c.2602G>T), located in coding exon 1 of the SAMD9L gene, results from a G to T substitution at nucleotide position 2602. The alanine at codon 868 is replaced by serine, an amino acid with similar properties. This amino acid position is conserved. In addition, this alteration is predicted to be tolerated by in silico analysis. Based on the available evidence, the clinical significance of this variant remains unclear.